The following is an entry in ClinVar:

NM_182758.4(WDR72):c.*3433G>A

Gene: WDR72 (WD repeat domain 72; minus strand). Cytogenetic location: 15q21.3.
Variant type: single nucleotide variant.
Coding change: c.*3433G>A on transcript NM_182758.4 (MANE Select); 3433 bases downstream of the stop codon, G replaced by A.
Molecular consequence: 3 prime UTR variant. On other transcripts: non-coding transcript variant (3).
Genome position (GRCh38, 1-based): chr15:53,514,266, C>T on the plus strand (G>A on the coding strand, the complement: WDR72 is on the minus strand). VCF-style: chr15-53514266-C-T. GRCh37 (hg19) VCF-style: chr15-53806463-C-T.
Other names: c.*3433G>A (NM_001277176.2).
Identifiers: ClinVar variation 316495 (VCV000316495.5), dbSNP rs13329257, ClinGen allele CA10636203.

ClinVar aggregate classification (germline): Likely benign (1 of 4 stars; one submission).

Conditions:
Amelogenesis imperfecta hypomaturation type 2A3. Also called: Amelogenesis imperfecta, type IIA3. Identifiers: Orphanet 88661, MedGen C2750771, MONDO:0013181, OMIM 613211. Disease mechanism: loss of function.

Allele frequency attached by ClinVar (database versions not stated): 1000 Genomes Project 0.00439; 1000 Genomes Project 30x 0.00468; gnomAD 0.00756 and 0.00827; TOPMed 0.00827.

Submission:

Illumina Laboratory Services, Illumina
Classification: Likely benign for Amelogenesis imperfecta hypomaturation type 2A3. Last evaluated: 2018-01-12. Review status: criteria provided, single submitter. Criteria: ICSL Variant Classification Criteria 13 December 2019. Collection method: clinical testing. Allele origin: germline.
Comment: This variant was observed in the ICSL laboratory as part of a predisposition screen in an ostensibly healthy population. It had not been previously curated by ICSL or reported in the Human Gene Mutation Database (HGMD: prior to June 1st, 2018), and was therefore a candidate for classification through an automated scoring system. Utilizing variant allele frequency, disease prevalence and penetrance estimates, and inheritance mode, an automated score was calculated to assess if this variant is too frequent to cause the disease. Based on the score and internal cut-off values, a variant classified as likely benign is not then subjected to further curation. The score for this variant resulted in a classification of likely benign for this disease.